The following is an entry in ClinVar:

ClinVar aggregate classification (germline): Uncertain significance (1 of 4 stars; one submission).

Conditions:
Cardiovascular phenotype. Identifiers: MedGen CN230736.

Allele frequency attached by ClinVar (database versions not stated): gnomAD exomes below 0.00001.
gnomAD v4.1: 1 of 1,551,056 alleles (0.000064%); highest among the groups gnomAD compares: Non-Finnish European, 0.000087%; no homozygotes.

Submission:

Ambry Genetics
Classification: Uncertain significance for Cardiovascular phenotype. Last evaluated: 2023-11-30. Review status: criteria provided, single submitter. Criteria: Ambry Variant Classification Scheme 2023. Collection method: clinical testing. Allele origin: germline.
Comment: The p.P1135L variant (also known as c.3404C>T), located in coding exon 12 of the RBM20 gene, results from a C to T substitution at nucleotide position 3404. The proline at codon 1135 is replaced by leucine, an amino acid with similar properties. This amino acid position is conserved. In addition, this alteration is predicted to be tolerated by in silico analysis. Since supporting evidence is limited at this time, the clinical significance of this alteration remains unclear.

NM_001134363.3(RBM20):c.3404C>T (p.Pro1135Leu)

Gene: RBM20 (RNA binding motif protein 20; plus strand). Cytogenetic location: 10q25.2.
Variant type: single nucleotide variant.
Coding change: c.3404C>T on transcript NM_001134363.3 (MANE Select); coding-DNA position 3404, C replaced by T.
Protein change: p.Pro1135Leu; replaces proline 1135 with leucine.
Molecular consequence: missense variant.
Genome position (GRCh38, 1-based): chr10:110,823,567, C>T. VCF-style: chr10-110823567-C-T. GRCh37 (hg19) VCF-style: chr10-112583325-C-T.
Other names: short protein forms P1135L.
Identifiers: ClinVar variation 3233214 (VCV003233214.1), dbSNP rs2493499721, ClinGen allele CA378384059.